The following is an entry in ClinVar:

NM_001001563.5(TIMM50):c.805G>A (p.Gly269Ser)

Gene: TIMM50 (translocase of inner mitochondrial membrane 50; plus strand). Cytogenetic location: 19q13.2.
Variant type: single nucleotide variant.
Coding change: c.805G>A on transcript NM_001001563.5 (MANE Select); coding-DNA position 805, G replaced by A.
Protein change: p.Gly269Ser; replaces glycine 269 with serine.
Molecular consequence: missense variant.
Genome position (GRCh38, 1-based): chr19:39,488,169, G>A. VCF-style: chr19-39488169-G-A. GRCh37 (hg19) VCF-style: chr19-39978809-G-A.
Other names: c.466G>A, p.Gly156Ser (NM_001329559.2); short protein forms G269S, G156S.
Identifiers: ClinVar variation 208697 (VCV000208697.7), dbSNP rs797044891, ClinGen allele CA204701.

ClinVar aggregate classification (germline): Pathogenic. Review status: criteria provided, single submitter (1 of 4 stars). 3 submissions from 3 submitters: Pathogenic (1). 2 of the submissions do not count toward it. Last evaluated 2014-08-12.

Conditions:
Inborn genetic diseases. Identifiers: MedGen C0950123, MeSH D030342.
3-methylglutaconic aciduria type 9. Also called: 3-METHYLGLUTACONIC ACIDURIA, TYPE IX. Identifiers: Orphanet 505216, MedGen C4540171, MONDO:0044724, OMIM 617698.

Allele frequency attached by ClinVar (database versions not stated): gnomAD exomes below 0.00001; TOPMed 0.00002.
gnomAD v4.1: 6 of 1,613,942 alleles (0.00037%); highest among the groups gnomAD compares: Non-Finnish European, 0.00051%; no homozygotes.

Submissions (3):

Ambry Genetics
Classification: Pathogenic for Inborn genetic diseases. Last evaluated: 2014-08-12. Review status: criteria provided, single submitter. Criteria: Ambry General Variant Classification Scheme_2022. Collection method: clinical testing. Allele origin: germline. Observed: 1 variant allele.
Comment: The c.1114G>A (p.G372S) alteration is located in coding exon 9 of the TIMM50 gene. This alteration results from a G to A substitution at nucleotide position 1114, causing the glycine (G) at amino acid position 372 to be replaced by a serine (S). The alteration is not observed in population databases: Based on data from the NHLBI Exome Sequencing Project (ESP), the TIMM50 c.1114G>A alteration was not observed among 6,503 individuals tested. Allele frequency data for this nucleotide position are not currently available from the 1000 Genomes Project or ExAC and the alteration is not currently listed in the Database of Single Nucleotide Polymorphisms (dbSNP). Though some variants may appear to be rare due to database-specific ethnic underrepresentation, rare missense alleles commonly exhibit a deleterious effect on protein function (Kryukov, 2007; Tennessen, 2012). The altered amino acid is conserved throughout evolution: The p.G372 amino acid is conserved in available vertebrate species. The amino acid is located in a functionally important protein domain: The G372S alteration is located in the conserved C-terminal domain of the Tim50 protein that interacts with the N-terminal domain of the Tim23 protein in the inter membrane space and regulates mitochondrial protein import of presequence-containing polypeptides (Geissler 2002; Yamamoto 2002; Guo 2004). The alteration is predicted deleterious by in silico models: The G372S alteration is predicted to be probably damaging and deleterious by PolyPhen and SIFT in silico analyses, respectively. Based on the available evidence, this alteration is classified as pathogenic.

Children's Hospital of Michigan, Central Michigan University
Classification: Likely pathogenic for 3-methylglutaconic aciduria type 9. Last evaluated: 2026-07-18. Review status: no assertion criteria provided. Collection method: research. Allele origin: germline. Inheritance: Autosomal recessive inheritance. Affected: yes. Observed: 4 variant alleles, 3 heterozygotes, 1 homozygote. Not counted in ClinVar's aggregate classification.

OMIM
Classification: Pathogenic for 3-METHYLGLUTACONIC ACIDURIA, TYPE IX. Last evaluated: 2022-01-14. Review status: no assertion criteria provided. Collection method: literature only. Allele origin: germline. Not counted in ClinVar's aggregate classification.

Literature cited by the submitters: PubMed 31058414 (cited by OMIM).